The following is an entry in ClinVar:

NM_006662.3(SRCAP):c.6311G>A (p.Arg2104Gln)

Gene: SRCAP (Snf2 related CREBBP activator protein; plus strand). Cytogenetic location: 16p11.2.
Variant type: single nucleotide variant.
Coding change: c.6311G>A on transcript NM_006662.3 (MANE Select); coding-DNA position 6311, G replaced by A.
Protein change: p.Arg2104Gln; replaces arginine 2104 with glutamine.
Molecular consequence: missense variant.
Genome position (GRCh38, 1-based): chr16:30,733,615, G>A. VCF-style: chr16-30733615-G-A. GRCh37 (hg19) VCF-style: chr16-30744936-G-A.
Other names: short protein forms R2104Q.
Identifiers: ClinVar variation 3694457 (VCV003694457.2).

ClinVar aggregate classification (germline): Uncertain significance (1 of 4 stars; one submission).

gnomAD v4.1: 5 of 1,613,372 alleles (0.00031%); highest among the groups gnomAD compares: South Asian, 0.0011%; no homozygotes.

Submission:

Labcorp Genetics (formerly Invitae), Labcorp
Classification: Uncertain significance. Last evaluated: 2024-03-01. Review status: criteria provided, single submitter. Criteria: Invitae Variant Classification Sherloc (09022015). Collection method: clinical testing. Allele origin: germline.
Comment: This sequence change replaces arginine, which is basic and polar, with glutamine, which is neutral and polar, at codon 2104 of the SRCAP protein (p.Arg2104Gln). This variant is present in population databases (no rsID available, gnomAD 0.005%). This variant has not been reported in the literature in individuals affected with SRCAP-related conditions. Advanced modeling of protein sequence and biophysical properties (such as structural, functional, and spatial information, amino acid conservation, physicochemical variation, residue mobility, and thermodynamic stability) has been performed at Invitae for this missense variant, however the output from this modeling did not meet the statistical confidence thresholds required to predict the impact of this variant on SRCAP protein function. In summary, the available evidence is currently insufficient to determine the role of this variant in disease. Therefore, it has been classified as a Variant of Uncertain Significance.